The following is an entry in ClinVar:

ClinVar aggregate classification (germline): Uncertain significance (1 of 4 stars; one submission).

Submission:

GeneDx
Classification: Uncertain significance. Last evaluated: 2024-04-01. Review status: criteria provided, single submitter. Criteria: GeneDx Variant Classification Process June 2021. Collection method: clinical testing. Allele origin: germline. Affected: yes.
Comment: Not observed at significant frequency in large population cohorts (gnomAD); In silico analysis supports that this missense variant has a deleterious effect on protein structure/function; Has not been previously published as pathogenic or benign to our knowledge

NM_016122.3(CEP83):c.2062A>C (p.Thr688Pro)

Gene: CEP83 (centrosomal protein 83; minus strand). Cytogenetic location: 12q22.
Variant type: single nucleotide variant.
Coding change: c.2062A>C on transcript NM_016122.3 (MANE Select); coding-DNA position 2062, A replaced by C.
Protein change: p.Thr688Pro; replaces threonine 688 with proline.
Molecular consequence: missense variant. On other transcripts: non-coding transcript variant (2).
Genome position (GRCh38, 1-based): chr12:94,308,857, T>G on the plus strand (A>C on the coding strand, the complement: CEP83 is on the minus strand). VCF-style: chr12-94308857-T-G. GRCh37 (hg19) VCF-style: chr12-94702633-T-G.
Other names: c.2062A>C, p.Thr688Pro (NM_001042399.2, NM_001346457.2, NM_001368037.1 and 1 more transcripts); c.1750A>C, p.Thr584Pro (NM_001346458.2, NM_001346459.2, NM_001368039.1 and 1 more transcripts); c.1837A>C, p.Thr613Pro (NM_001368041.1); short protein forms T584P, T613P, T688P.
Identifiers: ClinVar variation 3371833 (VCV003371833.1).